The following is an entry in ClinVar:

ClinVar aggregate classification (germline): Uncertain significance (1 of 4 stars; one submission).

Conditions:
Arrhythmogenic right ventricular dysplasia 13. Also called: ARRHYTHMOGENIC RIGHT VENTRICULAR CARDIOMYOPATHY 13; Arrhythmogenic right ventricular dysplasia, familial, 13. Identifiers: MedGen C3810138, MONDO:0000908, OMIM 615616.

Allele frequency attached by ClinVar (database versions not stated): gnomAD 0.00001; TOPMed 0.00001; ExAC 0.00002.
gnomAD v4.1: 19 of 1,605,786 alleles (0.0012%); highest among the groups gnomAD compares: African/African-American, 0.0027%; no homozygotes.

Submission:

Labcorp Genetics (formerly Invitae), Labcorp
Classification: Uncertain significance for Arrhythmogenic right ventricular dysplasia 13. Last evaluated: 2026-01-06. Review status: criteria provided, single submitter. Criteria: Invitae Variant Classification Sherloc (09022015). Collection method: clinical testing. Allele origin: germline.
Comment: This sequence change replaces valine, which is neutral and non-polar, with alanine, which is neutral and non-polar, at codon 583 of the CTNNA3 protein (p.Val583Ala). The frequency data for this variant in the population databases is considered unreliable, as metrics indicate poor data quality at this position in the gnomAD database. This variant has not been reported in the literature in individuals affected with CTNNA3-related conditions. ClinVar contains an entry for this variant (Variation ID: 2165640). Invitae Evidence Modeling of protein sequence and biophysical properties (such as structural, functional, and spatial information, amino acid conservation, physicochemical variation, residue mobility, and thermodynamic stability) indicates that this missense variant is not expected to disrupt CTNNA3 protein function with a negative predictive value of 80%. In summary, the available evidence is currently insufficient to determine the role of this variant in disease. Therefore, it has been classified as a Variant of Uncertain Significance.

NM_013266.4(CTNNA3):c.1748T>C (p.Val583Ala)

Gene: CTNNA3 (catenin alpha 3; minus strand). Cytogenetic location: 10q21.3.
Variant type: single nucleotide variant.
Coding change: c.1748T>C on transcript NM_013266.4 (MANE Select); coding-DNA position 1748, T replaced by C.
Protein change: p.Val583Ala; replaces valine 583 with alanine.
Molecular consequence: missense variant.
Genome position (GRCh38, 1-based): chr10:66,280,606, A>G on the plus strand (T>C on the coding strand, the complement: CTNNA3 is on the minus strand). VCF-style: chr10-66280606-A-G. GRCh37 (hg19) VCF-style: chr10-68040364-A-G.
Other names: c.1748T>C, p.Val583Ala (NM_001127384.3); short protein forms V583A.
Identifiers: ClinVar variation 2165640 (VCV002165640.4), dbSNP rs753066401, ClinGen allele CA5519824.